The following is an entry in ClinVar:

NM_014270.5(SLC7A9):c.562G>A (p.Val188Met)

Gene: SLC7A9 (solute carrier family 7 member 9; minus strand). Cytogenetic location: 19q13.11.
Variant type: single nucleotide variant.
Coding change: c.562G>A on transcript NM_014270.5 (MANE Select); coding-DNA position 562, G replaced by A.
Protein change: p.Val188Met; replaces valine 188 with methionine.
Molecular consequence: missense variant.
Genome position (GRCh38, 1-based): chr19:32,862,503, C>T on the plus strand (G>A on the coding strand, the complement: SLC7A9 is on the minus strand). VCF-style: chr19-32862503-C-T. GRCh37 (hg19) VCF-style: chr19-33353409-C-T.
Other names: c.562G>A, p.Val188Met (NM_001126335.2, NM_001243036.2); c.562G>A (NM_014270.4); short protein forms V188M.
Identifiers: ClinVar variation 2727536 (VCV002727536.4), dbSNP rs531029519, ClinGen allele CA9358783.

ClinVar aggregate classification (germline): Conflicting classifications of pathogenicity. Review status: criteria provided, conflicting classifications (1 of 4 stars). 2 submissions from 2 submitters: Pathogenic (1); Uncertain significance (1). Last evaluated 2026-01-11.

Allele frequency attached by ClinVar (database versions not stated): 1000 Genomes Project 0.00020; 1000 Genomes Project 30x 0.00031.
gnomAD v4.1: 25 of 1,613,540 alleles (0.0015%); highest among the groups gnomAD compares: Admixed American, 0.0067%; 1 homozygote.

Submissions (2):

Labcorp Genetics (formerly Invitae), Labcorp
Classification: Pathogenic. Last evaluated: 2026-01-11. Review status: criteria provided, single submitter. Criteria: Invitae Variant Classification Sherloc (09022015). Collection method: clinical testing. Allele origin: germline.
Comment: This sequence change replaces valine, which is neutral and non-polar, with methionine, which is neutral and non-polar, at codon 188 of the SLC7A9 protein (p.Val188Met). This variant is present in population databases (rs531029519, gnomAD 0.007%). This missense change has been observed in individual(s) with cystinuria (PMID: 15635077, 19782624, 21255007, 25109415, 28717662). ClinVar contains an entry for this variant (Variation ID: 2727536). Invitae Evidence Modeling of protein sequence and biophysical properties (such as structural, functional, and spatial information, amino acid conservation, physicochemical variation, residue mobility, and thermodynamic stability) indicates that this missense variant is not expected to disrupt SLC7A9 protein function with a negative predictive value of 80%. For these reasons, this variant has been classified as Pathogenic.

GeneDx
Classification: Uncertain significance. Last evaluated: 2025-05-12. Review status: criteria provided, single submitter. Criteria: GeneDx Variant Classification Process June 2021. Collection method: clinical testing. Allele origin: germline. Affected: yes.
Comment: Reported with a second variant (phase unknown) in a patient with cystinuria in published literature (PMID: 28717662); In silico analysis suggests that this missense variant does not alter protein structure/function; This variant is associated with the following publications: (PMID: 34426522, 28812535, 25109415, 15635077, 19782624, 21255007, 28717662)

Literature cited by the submitters: PubMed 15635077 (cited by Labcorp Genetics (formerly Invitae), Labcorp); PubMed 19782624 (cited by Labcorp Genetics (formerly Invitae), Labcorp); PubMed 21255007 (cited by Labcorp Genetics (formerly Invitae), Labcorp); PubMed 25109415 (cited by Labcorp Genetics (formerly Invitae), Labcorp); PubMed 28717662 (cited by Labcorp Genetics (formerly Invitae), Labcorp).